The following is an entry in ClinVar:

NM_001171613.2(PREPL):c.7G>A (p.Ala3Thr)

Gene: PREPL (prolyl endopeptidase like; minus strand). Cytogenetic location: 2p21.
Variant type: single nucleotide variant.
Coding change: c.7G>A on transcript NM_001171613.2 (MANE Select); coding-DNA position 7, G replaced by A.
Protein change: p.Ala3Thr; replaces alanine 3 with threonine.
Molecular consequence: missense variant.
Genome position (GRCh38, 1-based): chr2:44,346,336, C>T on the plus strand (G>A on the coding strand, the complement: PREPL is on the minus strand). VCF-style: chr2-44346336-C-T. GRCh37 (hg19) VCF-style: chr2-44573475-C-T.
Other names: c.274G>A, p.Ala92Thr (NM_001042385.2, NM_001042386.2, NM_001171603.1 and 4 more transcripts); c.7G>A, p.Ala3Thr (NM_001171617.1, NM_001374277.1); short protein forms A3T, A92T.
Identifiers: ClinVar variation 1518126 (VCV001518126.9), dbSNP rs779882139, ClinGen allele CA1641670.
Genomic context (GRCh38, chr2:44,346,336, plus strand): 5'-TGATGATTTCATATTCTTCTTGTGGCTGTGTTTCTAATTTTGTTCTCACTTTTTCAAATG[C>T]ATCCATGTTTTCTGGAAGGGGTTTTTCGTTTTCTTGTTTAACAGGCTGAAGATCCTGGAA-3'
Protein context (NP_001165084.1, residues 1-13): MD[Ala3Thr]FEKVRTKLET

ClinVar aggregate classification (germline): Uncertain significance. Review status: criteria provided, multiple submitters, no conflicts (2 of 4 stars). 2 submissions from 2 submitters: Uncertain significance (2). Last evaluated 2024-01-02.

Conditions:
Inborn genetic diseases. Identifiers: MedGen C0950123, MeSH D030342.
Myasthenic syndrome, congenital, 22 (CMS22). Also called: PREPL DEFICIENCY. Identifiers: MedGen C4479088, MONDO:0044299, OMIM 616224.

Allele frequency attached by ClinVar (database versions not stated): gnomAD 0.00001; gnomAD exomes 0.00001; TOPMed 0.00001; ExAC 0.00002.
gnomAD v4.1: 7 of 1,612,112 alleles (0.00043%); highest among the groups gnomAD compares: East Asian, 0.011%; no homozygotes.

Submissions (2):

Ambry Genetics
Classification: Uncertain significance for Inborn genetic diseases. Last evaluated: 2024-01-02. Review status: criteria provided, single submitter. Criteria: Ambry Variant Classification Scheme 2023. Collection method: clinical testing. Allele origin: germline.

Labcorp Genetics (formerly Invitae), Labcorp
Classification: Uncertain significance for Myasthenic syndrome, congenital, 22. Last evaluated: 2022-02-04. Review status: criteria provided, single submitter. Criteria: Invitae Variant Classification Sherloc (09022015). Collection method: clinical testing. Allele origin: germline.
Comment: In summary, the available evidence is currently insufficient to determine the role of this variant in disease. Therefore, it has been classified as a Variant of Uncertain Significance. Algorithms developed to predict the effect of missense changes on protein structure and function (SIFT, PolyPhen-2, Align-GVGD) all suggest that this variant is likely to be tolerated. This variant has not been reported in the literature in individuals affected with PREPL-related conditions. This variant is present in population databases (rs779882139, gnomAD 0.01%). This sequence change replaces alanine, which is neutral and non-polar, with threonine, which is neutral and polar, at codon 92 of the PREPL protein (p.Ala92Thr).